The following is an entry in ClinVar:

NM_152328.5(ADSS1):c.193-5127_193-5125delinsGTC

Gene: ADSS1 (adenylosuccinate synthase 1; plus strand). Cytogenetic location: 14q32.33.
Variant type: Indel.
Coding change: c.193-5127_193-5125delinsGTC on transcript NM_152328.5 (MANE Select); 5127 bases into the intron before coding-DNA position 193 through 5125 bases into the intron before coding-DNA position 193, ATG replaced by GTC.
Molecular consequence: intron variant. On other transcripts: 5 prime UTR variant (1), missense variant (1), initiator codon variant (1).
Genome position (GRCh38, 1-based): chr14:104,729,893-104,729,895, ATG replaced by GTC. VCF-style: chr14-104729893-ATG-GTC. GRCh37 (hg19) VCF-style: chr14-105196230-ATG-GTC.
Other names: p.Met1?; c.-727_-725delinsGTC (NM_001320424.1); c.1_3delinsGTC, p.Met1Val (NM_199165.2); short protein forms M1V.
Identifiers: ClinVar variation 1960245 (VCV001960245.6), dbSNP rs2541995490, ClinGen allele CA2580088469.

ClinVar aggregate classification (germline): Conflicting classifications of pathogenicity. Review status: criteria provided, conflicting classifications (1 of 4 stars). 3 submissions from 3 submitters: Uncertain significance (2); Likely benign (1). Last evaluated 2026-06-08.

Submissions (3):

Women's Health and Genetics/Laboratory Corporation of America, LabCorp
Classification: Uncertain significance. Last evaluated: 2026-06-08. Review status: criteria provided, single submitter. Criteria: LabCorp Variant Classification Summary - May 2015. Collection method: clinical testing. Allele origin: germline.
Comment: Variant summary: ADSS1 c.1_3delinsGTC (p.Met1Val) alters the initiation codon and is predicted to result either in absence of the protein or truncation of the encoded protein due to translation initiation at a downstream codon. The next downstream in-frame initiation codon is at codon 249. The variant was absent in 73894 control chromosomes (gnomAD). The available data on variant occurrences in the general population are insufficient to allow any conclusion about variant significance. To our knowledge, no occurrence of c.1_3delinsGTC in individuals affected with ADSS1-related conditions and no experimental evidence demonstrating its impact on protein function have been reported. ClinVar contains an entry for this variant (Variation ID: 1960245). Based on the evidence outlined above, the variant was classified as uncertain significance.

Mayo Clinic Laboratories, Mayo Clinic
Classification: Likely benign. Last evaluated: 2025-05-28. Review status: criteria provided, single submitter. Criteria: ACMG Guidelines, 2015. Collection method: clinical testing. Allele origin: germline. Observed: 1 variant allele.

Labcorp Genetics (formerly Invitae), Labcorp
Classification: Uncertain significance. Last evaluated: 2022-08-08. Review status: criteria provided, single submitter. Criteria: Invitae Variant Classification Sherloc (09022015). Collection method: clinical testing. Allele origin: germline.
Comment: This sequence change affects the initiator methionine of the ADSSL1 mRNA. The next in-frame methionine is located at codon 249. The frequency data for this variant in the population databases is considered unreliable, as metrics indicate poor data quality at this position in the gnomAD database. This variant has not been reported in the literature in individuals affected with ADSSL1-related conditions. Experimental studies and prediction algorithms are not available or were not evaluated, and the functional significance of this variant is currently unknown. In summary, the available evidence is currently insufficient to determine the role of this variant in disease. Therefore, it has been classified as a Variant of Uncertain Significance.